The following is an entry in ClinVar:

NM_005869.4(CWC27):c.1375G>A (p.Glu459Lys)

Gene: CWC27 (CWC27 spliceosome associated cyclophilin; plus strand). Cytogenetic location: 5q12.3.
Variant type: single nucleotide variant.
Coding change: c.1375G>A on transcript NM_005869.4 (MANE Select); coding-DNA position 1375, G replaced by A.
Protein change: p.Glu459Lys; replaces glutamic acid 459 with lysine.
Molecular consequence: missense variant. On other transcripts: 3 prime UTR variant (1).
Genome position (GRCh38, 1-based): chr5:65,018,277, G>A. VCF-style: chr5-65018277-G-A. GRCh37 (hg19) VCF-style: chr5-64314104-G-A.
Other names: c.*95G>A (NM_001297644.1); short protein forms E459K.
Identifiers: ClinVar variation 1395327 (VCV001395327.6), dbSNP rs190561984, ClinGen allele CA3282294.

ClinVar aggregate classification (germline): Uncertain significance (1 of 4 stars; one submission).

Allele frequency attached by ClinVar (database versions not stated): ExAC 0.00001; gnomAD 0.00001; 1000 Genomes Project 30x 0.00016; 1000 Genomes Project 0.00020.
gnomAD v4.1: 2 of 1,603,860 alleles (0.00012%); highest among the groups gnomAD compares: Non-Finnish European, 0.000085%; no homozygotes.

Submission:

Labcorp Genetics (formerly Invitae), Labcorp
Classification: Uncertain significance. Last evaluated: 2023-07-07. Review status: criteria provided, single submitter. Criteria: Invitae Variant Classification Sherloc (09022015). Collection method: clinical testing. Allele origin: germline.
Comment: In summary, the available evidence is currently insufficient to determine the role of this variant in disease. Therefore, it has been classified as a Variant of Uncertain Significance. An algorithm developed to predict the effect of missense changes on protein structure and function (PolyPhen-2) suggests that this variant is likely to be disruptive. ClinVar contains an entry for this variant (Variation ID: 1395327). This variant has not been reported in the literature in individuals affected with CWC27-related conditions. The frequency data for this variant in the population databases is considered unreliable, as metrics indicate poor data quality at this position in the gnomAD database. This sequence change replaces glutamic acid, which is acidic and polar, with lysine, which is basic and polar, at codon 459 of the CWC27 protein (p.Glu459Lys).